The following is an entry in ClinVar:

NM_014236.4(GNPAT):c.1499A>G (p.Gln500Arg)

Gene: GNPAT (glyceronephosphate O-acyltransferase; plus strand). Cytogenetic location: 1q42.2.
Variant type: single nucleotide variant.
Coding change: c.1499A>G on transcript NM_014236.4 (MANE Select); coding-DNA position 1499, A replaced by G.
Protein change: p.Gln500Arg; replaces glutamine 500 with arginine.
Molecular consequence: missense variant.
Genome position (GRCh38, 1-based): chr1:231,270,977, A>G. VCF-style: chr1-231270977-A-G. GRCh37 (hg19) VCF-style: chr1-231406723-A-G.
Other names: c.1316A>G, p.Gln439Arg (NM_001316350.2); c.1499A>G (NM_014236.3); short protein forms Q500R, Q439R.
Identifiers: ClinVar variation 1379270 (VCV001379270.6), dbSNP rs767419807, ClinGen allele CA1452038.

ClinVar aggregate classification (germline): Uncertain significance. Review status: criteria provided, multiple submitters, no conflicts (2 of 4 stars). 2 submissions from 2 submitters: Uncertain significance (2). Last evaluated 2024-11-09.

Conditions:
Inborn genetic diseases. Identifiers: MedGen C0950123, MeSH D030342.

Allele frequency attached by ClinVar (database versions not stated): gnomAD 0.00001; gnomAD exomes 0.00006 and 0.00012; TOPMed 0.00006; ExAC 0.00007.
gnomAD v4.1: 35 of 1,614,048 alleles (0.0022%); highest among the groups gnomAD compares: Admixed American, 0.058%; no homozygotes.

Submissions (2):

Ambry Genetics
Classification: Uncertain significance for Inborn genetic diseases. Last evaluated: 2024-11-09. Review status: criteria provided, single submitter. Criteria: Ambry Variant Classification Scheme 2023. Collection method: clinical testing. Allele origin: germline.

Labcorp Genetics (formerly Invitae), Labcorp
Classification: Uncertain significance. Last evaluated: 2022-05-07. Review status: criteria provided, single submitter. Criteria: Invitae Variant Classification Sherloc (09022015). Collection method: clinical testing. Allele origin: germline.
Comment: This sequence change replaces glutamine, which is neutral and polar, with arginine, which is basic and polar, at codon 500 of the GNPAT protein (p.Gln500Arg). This variant is present in population databases (rs767419807, gnomAD 0.09%). This variant has not been reported in the literature in individuals affected with GNPAT-related conditions. Algorithms developed to predict the effect of missense changes on protein structure and function (SIFT, PolyPhen-2, Align-GVGD) all suggest that this variant is likely to be tolerated. In summary, the available evidence is currently insufficient to determine the role of this variant in disease. Therefore, it has been classified as a Variant of Uncertain Significance.